The following is an entry in ClinVar:

ClinVar aggregate classification (germline): Uncertain significance/Uncertain risk allele. Review status: criteria provided, multiple submitters, no conflicts (2 of 4 stars). 2 submissions from 2 submitters: Uncertain significance (1); Uncertain risk allele (1). Last evaluated 2020-01-27.

Conditions:
Diabetic retinopathy. Identifiers: MedGen C0011884, MONDO:0005266.

Allele frequency attached by ClinVar (database versions not stated): gnomAD exomes 0.00002; TOPMed 0.00002; ExAC 0.00003; gnomAD 0.00004; ESP Exome Variant Server 0.00023.
gnomAD v4.1: 27 of 1,611,576 alleles (0.0017%); highest among the groups gnomAD compares: African/African-American, 0.0027%; no homozygotes.

Submissions (2):

GeneDx
Classification: Uncertain significance. Last evaluated: 2020-01-27. Review status: criteria provided, single submitter. Criteria: GeneDx Variant Classification Process June 2021. Collection method: clinical testing. Allele origin: germline. Affected: yes.
Comment: Not observed at a significant frequency in large population cohorts (Lek et al., 2016); In silico analysis, which includes protein predictors and evolutionary conservation, supports that this variant does not alter protein structure/function; In-silico splice predictors are inconclusive as to whether the variant alters gene splicing. In the absence of RNA/functional studies, the actual effect of this sequence change is unknown.; Has not been previously published as pathogenic or benign to our knowledge

Clinical Genomics, Uppaluri K&H Personalized Medicine Clinic
Classification: Uncertain risk allele for Diabetic retinopathy. Review status: criteria provided, single submitter. Criteria: K And H Uppaluri Personalized Medicine Clinic Variant Classification And Assertion Criteria Updated V 2. Collection method: research. Allele origin: unknown.
Comment: Potent mutations in TGFBR2 gene encodes the transforming growth factor that have been associated with angiogenesis and diabetic retinopathy. More clinical studies are needed for stronger association. However, more evidence is required to confer the association of this particular variant rs113474008 with diabetic retinopathy.

Literature cited by the submitters: PubMed 30222965 (cited by Clinical Genomics, Uppaluri K&H Personalized Medicine Clinic); PubMed 28162229 (cited by Clinical Genomics, Uppaluri K&H Personalized Medicine Clinic); PubMed 34572573 (cited by Clinical Genomics, Uppaluri K&H Personalized Medicine Clinic).

NM_003242.6(TGFBR2):c.94+16260C>A

Gene: TGFBR2 (transforming growth factor beta receptor 2; plus strand). Cytogenetic location: 3p24.1.
Variant type: single nucleotide variant.
Coding change: c.94+16260C>A on transcript NM_003242.6 (MANE Select); 16260 bases into the intron after coding-DNA position 94, C replaced by A.
Molecular consequence: intron variant. On other transcripts: missense variant (5).
Genome position (GRCh38, 1-based): chr3:30,623,237, C>A. VCF-style: chr3-30623237-C-A. GRCh37 (hg19) VCF-style: chr3-30664729-C-A.
Other names: c.133C>A, p.Pro45Thr (NM_001024847.3, NM_001407126.1, NM_001407137.1 and 1 more transcripts); c.85C>A, p.Pro29Thr (NM_001407128.1); c.-151C>A (NM_001407133.1); c.-161C>A (NM_001407136.1); short protein forms P45T, P29T.
Identifiers: ClinVar variation 1315157 (VCV001315157.4), dbSNP rs113474008, ClinGen allele CA050378.